The following is an entry in ClinVar:

NM_003896.4(ST3GAL5):c.11A>T (p.Lys4Met)

Genes: ST3GAL5 (ST3 beta-galactoside alpha-2,3-sialyltransferase 5; minus strand), LOC129934236 (ATAC-STARR-seq lymphoblastoid silent region 11709; plus strand). Cytogenetic location: 2p11.2.
Variant type: single nucleotide variant.
Coding change: c.11A>T on transcript NM_003896.4 (MANE Select); coding-DNA position 11, A replaced by T.
Protein change: p.Lys4Met; replaces lysine 4 with methionine.
Molecular consequence: missense variant. On other transcripts: 5 prime UTR variant (6).
Genome position (GRCh38, 1-based): chr2:85,888,895, T>A on the plus strand (A>T on the coding strand, the complement: ST3GAL5 is on the minus strand). VCF-style: chr2-85888895-T-A. GRCh37 (hg19) VCF-style: chr2-86116018-T-A.
Other names: c.-952A>T (NM_001354223.2); c.-614A>T (NM_001354224.2); c.-551A>T (NM_001354226.2); c.-261A>T (NM_001354227.2); c.-205A>T (NM_001354229.2); c.-991A>T (NM_001354233.2); c.11A>T, p.Lys4Met (NM_001363847.1); short protein forms K4M.
Identifiers: ClinVar variation 1002775 (VCV001002775.7), dbSNP rs1399913199, ClinGen allele CA347536198.

ClinVar aggregate classification (germline): Uncertain significance (1 of 4 stars; one submission).

Conditions:
GM3 synthase deficiency (SPDRS). Also called: AMISH INFANTILE EPILEPSY SYNDROME; SALT AND PEPPER MENTAL RETARDATION SYNDROME; SALT AND PEPPER DEVELOPMENTAL REGRESSION SYNDROME. Identifiers: Orphanet 171714, Orphanet 370933, MedGen C1836824, MONDO:0018274, OMIM 609056.

Allele frequency attached by ClinVar (database versions not stated): TOPMed 0.00002; gnomAD 0.00005.

Submission:

Labcorp Genetics (formerly Invitae), Labcorp
Classification: Uncertain significance for GM3 synthase deficiency. Last evaluated: 2022-02-05. Review status: criteria provided, single submitter. Criteria: Invitae Variant Classification Sherloc (09022015). Collection method: clinical testing. Allele origin: germline.
Comment: This sequence change replaces lysine, which is basic and polar, with methionine, which is neutral and non-polar, at codon 4 of the ST3GAL5 protein (p.Lys4Met). This variant is present in population databases (no rsID available, gnomAD 0.02%). This variant has not been reported in the literature in individuals affected with ST3GAL5-related conditions. ClinVar contains an entry for this variant (Variation ID: 1002775). Algorithms developed to predict the effect of missense changes on protein structure and function are either unavailable or do not agree on the potential impact of this missense change (SIFT: "Deleterious"; PolyPhen-2: "Benign"; Align-GVGD: "Class C0"). In summary, the available evidence is currently insufficient to determine the role of this variant in disease. Therefore, it has been classified as a Variant of Uncertain Significance.